The following is an entry in ClinVar:

ClinVar aggregate classification (germline): Uncertain significance (1 of 4 stars; one submission).

Allele frequency attached by ClinVar (database versions not stated): gnomAD exomes below 0.00001.
gnomAD v4.1: 6 of 1,610,602 alleles (0.00037%); highest among the groups gnomAD compares: Non-Finnish European, 0.00051%; no homozygotes.

Submission:

CeGaT Center for Human Genetics Tuebingen
Classification: Uncertain significance. Last evaluated: 2023-07-01. Review status: criteria provided, single submitter. Criteria: CeGaT Center For Human Genetics Tuebingen Variant Classification Criteria Version 2. Collection method: clinical testing. Allele origin: germline. Affected: yes. Observed: 1 variant allele.
Comment: DNAH17: PM2

NM_173628.4(DNAH17):c.12010A>G (p.Lys4004Glu)

Gene: DNAH17 (dynein axonemal heavy chain 17; minus strand). Cytogenetic location: 17q25.3.
Variant type: single nucleotide variant.
Coding change: c.12010A>G on transcript NM_173628.4 (MANE Select); coding-DNA position 12010, A replaced by G.
Protein change: p.Lys4004Glu; replaces lysine 4004 with glutamic acid.
Molecular consequence: missense variant.
Genome position (GRCh38, 1-based): chr17:78,437,664, T>C on the plus strand (A>G on the coding strand, the complement: DNAH17 is on the minus strand). VCF-style: chr17-78437664-T-C. GRCh37 (hg19) VCF-style: chr17-76433746-T-C.
Other names: short protein forms K4004E.
Identifiers: ClinVar variation 2578799 (VCV002578799.25), dbSNP rs1189320873, ClinGen allele CA401247116.